The following is an entry in ClinVar:

NM_000165.5(GJA1):c.882C>G (p.Asn294Lys)

Gene: GJA1 (gap junction protein alpha 1; plus strand). Cytogenetic location: 6q22.31.
Variant type: single nucleotide variant.
Coding change: c.882C>G on transcript NM_000165.5 (MANE Select); coding-DNA position 882, C replaced by G.
Protein change: p.Asn294Lys; replaces asparagine 294 with lysine.
Molecular consequence: missense variant.
Genome position (GRCh38, 1-based): chr6:121,447,729, C>G. VCF-style: chr6-121447729-C-G. GRCh37 (hg19) VCF-style: chr6-121768875-C-G.
Other names: short protein forms N294K.
Identifiers: ClinVar variation 2907846 (VCV002907846.3), dbSNP rs753091320, ClinGen allele CA365559979.

ClinVar aggregate classification (germline): Uncertain significance (1 of 4 stars; one submission).

Conditions:
Oculodentodigital dysplasia, autosomal recessive. Also called: OCULODENTOOSSEOUS DYSPLASIA, AUTOSOMAL RECESSIVE; ODDD, AUTOSOMAL RECESSIVE; ODOD, AUTOSOMAL RECESSIVE. Identifiers: Orphanet 2710, MedGen C2749477, MONDO:0009768, OMIM 257850.

Submission:

Labcorp Genetics (formerly Invitae), Labcorp
Classification: Uncertain significance for Oculodentodigital dysplasia, autosomal recessive. Last evaluated: 2024-12-09. Review status: criteria provided, single submitter. Criteria: Invitae Variant Classification Sherloc (09022015). Collection method: clinical testing. Allele origin: germline.
Comment: This sequence change replaces asparagine, which is neutral and polar, with lysine, which is basic and polar, at codon 294 of the GJA1 protein (p.Asn294Lys). This variant is not present in population databases (gnomAD no frequency). This variant has not been reported in the literature in individuals affected with GJA1-related conditions. ClinVar contains an entry for this variant (Variation ID: 2907846). Invitae Evidence Modeling of protein sequence and biophysical properties (such as structural, functional, and spatial information, amino acid conservation, physicochemical variation, residue mobility, and thermodynamic stability) has been performed for this missense variant. However, the output from this modeling did not meet the statistical confidence thresholds required to predict the impact of this variant on GJA1 protein function. In summary, the available evidence is currently insufficient to determine the role of this variant in disease. Therefore, it has been classified as a Variant of Uncertain Significance.